The following is an entry in ClinVar:

ClinVar aggregate classification (germline): Uncertain significance (1 of 4 stars; one submission).

Conditions:
Hereditary breast ovarian cancer syndrome. Also called: Hereditary breast and ovarian cancer; Hereditary breast and ovarian cancer syndrome (HBOC); Breast and ovarian cancer; Hereditary breast and/or ovarian cancer syndrome; BRCA1- and BRCA2-Associated Hereditary Breast and Ovarian Cancer; Hereditary breast and ovarian cancer syndrome. Identifiers: Orphanet 145, MedGen C0677776, MeSH D061325, MONDO:0003582. Disease mechanism: loss of function.

Submissions (2):

Labcorp Genetics (formerly Invitae), Labcorp
Classification: Uncertain significance for Hereditary breast ovarian cancer syndrome. Last evaluated: 2019-10-01. Review status: criteria provided, single submitter. Criteria: Invitae Variant Classification Sherloc (09022015). Collection method: clinical testing. Allele origin: germline.
Comment: This sequence change replaces leucine with arginine at codon 1679 of the BRCA1 protein (p.Leu1679Arg). The leucine residue is moderately conserved and there is a moderate physicochemical difference between leucine and arginine. This variant is not present in population databases (ExAC no frequency). This variant has not been reported in the literature in individuals with BRCA1-related conditions. This variant has been reported not to substantially affect BRCA1 protein function (PMID: 30209399). In summary, the available evidence is currently insufficient to determine the role of this variant in disease. Therefore, it has been classified as a Variant of Uncertain Significance.

Brotman Baty Institute, University of Washington
No classification provided (evidence only). Condition: Breast-ovarian cancer, familial 1. Review status: no classification provided. Collection method: in vitro. Allele origin: not applicable. Functional consequence: functionally_normal. Not counted in ClinVar's aggregate classification.
ClinVar note: "not provided" was previously submitted as the classification for the variant. However, the classification appeared to be based only on an observation of functional data so it was converted to no classification on 2025-07-30.

Literature cited by the submitters: PubMed 30209399 (cited by Labcorp Genetics (formerly Invitae), Labcorp).

NM_007294.4(BRCA1):c.5036T>G (p.Leu1679Arg)

Gene: BRCA1 (BRCA1 DNA repair associated; minus strand). Cytogenetic location: 17q21.31.
Variant type: single nucleotide variant.
Coding change: c.5036T>G on transcript NM_007294.4 (MANE Select); coding-DNA position 5036, T replaced by G.
Protein change: p.Leu1679Arg; replaces leucine 1679 with arginine.
Molecular consequence: missense variant. On other transcripts: non-coding transcript variant (1).
Genome position (GRCh38, 1-based): chr17:43,067,646, A>C on the plus strand (T>G on the coding strand, the complement: BRCA1 is on the minus strand). VCF-style: chr17-43067646-A-C. GRCh37 (hg19) VCF-style: chr17-41219663-A-C.
Other names: c.4823T>G, p.Leu1608Arg (NM_001407571.1, NM_001407894.1, NM_001407908.1 and 12 more transcripts); c.5102T>G, p.Leu1701Arg (NM_001407581.1, NM_001407582.1); c.5099T>G, p.Leu1700Arg (NM_001407583.1, NM_001407585.1, NM_001407587.1 and 1 more transcripts); c.5096T>G, p.Leu1699Arg (NM_001407590.1, NM_001407591.1); c.5036T>G, p.Leu1679Arg (NM_001407593.1, NM_001407594.1, NM_001407596.1 and 8 more transcripts); c.5033T>G, p.Leu1678Arg (NM_001407615.1, NM_001407616.1, NM_001407617.1 and 17 more transcripts); c.5030T>G, p.Leu1677Arg (NM_001407634.1, NM_001407635.1, NM_001407636.1 and 14 more transcripts); c.4955T>G, p.Leu1652Arg (NM_001407656.1, NM_001407657.1, NM_001407658.1); and 70 more; short protein forms L1632R, L1679R, L1700R, L575R, L1525R, L1551R, L1591R, L1612R.
Identifiers: ClinVar variation 867560 (VCV000867560.13), dbSNP rs760038328, ClinGen allele CA10591443.
Genomic context (GRCh38, chr17:43,067,646, plus strand): 5'-TCTGTAAAGGTTCTTGGTATACCTGTTTTCATAACAACATGAGTAGTCTCTTCAGTAATT[A>C]GATTAGTTAAAGTGATGTGGTGTTTTCTGGCAAACTTGTACACGAGCATCTGAAATTAAA-3'
Protein context (NP_009225.1, residues 1669-1689): ARKHHITLTN[Leu1679Arg]ITEETTHVVM